The following is an entry in ClinVar:

ClinVar aggregate classification (germline): Uncertain significance (1 of 4 stars; one submission).

Conditions:
Ehlers-Danlos syndrome, classic type, 1 (EDSCL1). Also called: EHLERS-DANLOS SYNDROME, GRAVIS TYPE; EHLERS-DANLOS SYNDROME, SEVERE CLASSIC TYPE; Ehlers-Danlos syndrome, type 1; Ehlers-Danlos Syndrome, Classic Type, COL5A1-Related; EDS I. Identifiers: MedGen C0268335, MONDO:0019567, OMIM 130000.

gnomAD v4.1: 1 of 1,613,666 alleles (0.000062%); highest among the groups gnomAD compares: Non-Finnish European, 0.000085%; no homozygotes.

Submission:

Labcorp Genetics (formerly Invitae), Labcorp
Classification: Uncertain significance for Ehlers-Danlos syndrome, classic type, 1. Last evaluated: 2025-03-12. Review status: criteria provided, single submitter. Criteria: Invitae Variant Classification Sherloc (09022015). Collection method: clinical testing. Allele origin: germline.
Comment: This sequence change replaces asparagine, which is neutral and polar, with isoleucine, which is neutral and non-polar, at codon 1779 of the COL5A1 protein (p.Asn1779Ile). This variant is not present in population databases (gnomAD no frequency). This variant has not been reported in the literature in individuals affected with COL5A1-related conditions. Invitae Evidence Modeling of protein sequence and biophysical properties (such as structural, functional, and spatial information, amino acid conservation, physicochemical variation, residue mobility, and thermodynamic stability) indicates that this missense variant is not expected to disrupt COL5A1 protein function with a negative predictive value of 95%. In summary, the available evidence is currently insufficient to determine the role of this variant in disease. Therefore, it has been classified as a Variant of Uncertain Significance.

NM_000093.5(COL5A1):c.5336A>T (p.Asn1779Ile)

Genes: COL5A1 (collagen type V alpha 1 chain; plus strand), LOC101448202 (uncharacterized LOC101448202; minus strand). Cytogenetic location: 9q34.3.
Variant type: single nucleotide variant.
Coding change: c.5336A>T on transcript NM_000093.5 (MANE Select); coding-DNA position 5336, A replaced by T.
Protein change: p.Asn1779Ile; replaces asparagine 1779 with isoleucine.
Molecular consequence: missense variant.
Genome position (GRCh38, 1-based): chr9:134,835,170, A>T. VCF-style: chr9-134835170-A-T. GRCh37 (hg19) VCF-style: chr9-137727016-A-T.
Other names: c.5336A>T, p.Asn1779Ile (NM_001278074.1); short protein forms N1779I.
Identifiers: ClinVar variation 4750204 (VCV004750204.1).